The following is an entry in ClinVar:

NM_170707.4(LMNA):c.85C>A (p.Leu29Met)

Genes: LMNA (lamin A/C; plus strand), LOC129931597 (ATAC-STARR-seq lymphoblastoid silent region 1421; plus strand). Cytogenetic location: 1q22.
Variant type: single nucleotide variant.
Coding change: c.85C>A on transcript NM_170707.4 (MANE Select); coding-DNA position 85, C replaced by A.
Protein change: p.Leu29Met; replaces leucine 29 with methionine.
Molecular consequence: missense variant. On other transcripts: 5 prime UTR variant (8), intron variant (2).
Genome position (GRCh38, 1-based): chr1:156,115,003, C>A. VCF-style: chr1-156115003-C-A. GRCh37 (hg19) VCF-style: chr1-156084794-C-A.
Other names: c.85C>A, p.Leu29Met (NM_001282625.2, NM_001282626.2, NM_001406983.1 and 6 more transcripts); c.-339C>A (NM_001406986.1); c.-317C>A (NM_001406990.1, NM_001406995.1, NM_001407002.1); c.-580C>A (NM_001406994.1, NM_001407000.1); c.-760C>A (NM_001406999.1); c.-423C>A (NM_001407001.1); c.-203+8180C>A (NM_001406993.1, NM_001407003.1); short protein forms L29M.
Identifiers: ClinVar variation 3706031 (VCV003706031.2).
Genomic context (GRCh38, chr1:156,115,003, plus strand): 5'-GCCACCCGCAGCGGGGCGCAGGCCAGCTCCACTCCGCTGTCGCCCACCCGCATCACCCGG[C>A]TGCAGGAGAAGGAGGACCTGCAGGAGCTCAATGATCGCTTGGCGGTCTACATCGACCGTG-3'
Protein context (NP_733821.1, residues 19-39): TPLSPTRITR[Leu29Met]QEKEDLQELN

ClinVar aggregate classification (germline): Uncertain significance (1 of 4 stars; one submission).

Conditions:
Charcot-Marie-Tooth disease type 2. Also called: Charcot-Marie-Tooth type 2. Identifiers: Orphanet 64746, MedGen C0270914, MONDO:0018993.

Submission:

Labcorp Genetics (formerly Invitae), Labcorp
Classification: Uncertain significance for Charcot-Marie-Tooth disease type 2. Last evaluated: 2025-01-18. Review status: criteria provided, single submitter. Criteria: Invitae Variant Classification Sherloc (09022015). Collection method: clinical testing. Allele origin: germline.
Comment: This sequence change replaces leucine, which is neutral and non-polar, with methionine, which is neutral and non-polar, at codon 29 of the LMNA protein (p.Leu29Met). This variant is not present in population databases (gnomAD no frequency). This variant has not been reported in the literature in individuals affected with LMNA-related conditions. Invitae Evidence Modeling of protein sequence and biophysical properties (such as structural, functional, and spatial information, amino acid conservation, physicochemical variation, residue mobility, and thermodynamic stability) indicates that this missense variant is expected to disrupt LMNA protein function with a positive predictive value of 95%. In summary, the available evidence is currently insufficient to determine the role of this variant in disease. Therefore, it has been classified as a Variant of Uncertain Significance.